The following is an entry in ClinVar:

NM_012463.4(ATP6V0A2):c.118-1G>T

Gene: ATP6V0A2 (ATPase H+ transporting V0 subunit a2; plus strand). Cytogenetic location: 12q24.31.
Variant type: single nucleotide variant.
Coding change: c.118-1G>T on transcript NM_012463.4 (MANE Select); the canonical splice acceptor site of the intron before coding-DNA position 118, G replaced by T.
Molecular consequence: splice acceptor variant.
Genome position (GRCh38, 1-based): chr12:123,718,622, G>T. VCF-style: chr12-123718622-G-T. GRCh37 (hg19) VCF-style: chr12-124203169-G-T.
Identifiers: ClinVar variation 1479815 (VCV001479815.6), dbSNP rs2135879573, ClinGen allele CA387150796.

ClinVar aggregate classification (germline): Likely pathogenic (1 of 4 stars; one submission).

Conditions:
ALG9 congenital disorder of glycosylation (CDG1L). Also called: ALG9-CDG; CONGENITAL DISORDER OF GLYCOSYLATION, TYPE Il; CDG Il. Identifiers: Orphanet 79328, MedGen C2931006, MONDO:0012117, OMIM 608776.

Submission:

Labcorp Genetics (formerly Invitae), Labcorp
Classification: Likely pathogenic for ALG9 congenital disorder of glycosylation. Last evaluated: 2022-08-23. Review status: criteria provided, single submitter. Criteria: Invitae Variant Classification Sherloc (09022015). Collection method: clinical testing. Allele origin: germline.
Comment: In summary, the currently available evidence indicates that the variant is pathogenic, but additional data are needed to prove that conclusively. Therefore, this variant has been classified as Likely Pathogenic. Algorithms developed to predict the effect of sequence changes on RNA splicing suggest that this variant may disrupt the consensus splice site. ClinVar contains an entry for this variant (Variation ID: 1479815). This variant has not been reported in the literature in individuals affected with ATP6V0A2-related conditions. This variant is not present in population databases (gnomAD no frequency). This sequence change affects an acceptor splice site in intron 1 of the ATP6V0A2 gene. It is expected to disrupt RNA splicing. Variants that disrupt the donor or acceptor splice site typically lead to a loss of protein function (PMID: 16199547), and loss-of-function variants in ATP6V0A2 are known to be pathogenic (PMID: 18157129, 19321599).

Literature cited by the submitters: PubMed 16199547; PubMed 18157129; PubMed 19321599.